The following is an entry in ClinVar:

ClinVar aggregate classification (germline): Likely pathogenic (1 of 4 stars; one submission).

Conditions:
Anemia, nonspherocytic hemolytic, due to G6PD deficiency (CNSHA1). Also called: Hemolytic anemia due to G6PD deficiency; Class I glucose-6-phosphate dehydrogenase deficiency; Favism, susceptibility to; ANEMIA, CONGENITAL, NONSPHEROCYTIC HEMOLYTIC, 1. Identifiers: Orphanet 466026, MedGen C2720289, MONDO:0010480, OMIM 300908.

Submission:

Dunham Lab, University of Washington
Classification: Likely pathogenic for Anemia, nonspherocytic hemolytic, due to G6PD deficiency. Last evaluated: 2022-08-12. Review status: criteria provided, single submitter. Criteria: Bayesian ACMG Guidelines, 2018. Collection method: curation. Allele origin: de novo. Affected: yes.
Comment: Undetectable activity in red blood cells of heterozygote, and decreased activity in leukocytes, skin fibroblasts, and when expressed in E. coli (0-17%) (PS3). Not observed in gnomAD (PM2). Neither parent carrier the alleles so presumed de novo; only paternity confirmed (PM6). Post_P 0.988 (odds of pathogenicity 729.3, Prior_P 0.1).

Literature cited by the submitters: PubMed 10556177.

NM_001360016.2(G6PD):c.514C>T (p.Pro172Ser)

Gene: G6PD (glucose-6-phosphate dehydrogenase; minus strand). Cytogenetic location: Xq28.
Variant type: single nucleotide variant.
Coding change: c.514C>T on transcript NM_001360016.2 (MANE Select); coding-DNA position 514, C replaced by T.
Protein change: p.Pro172Ser; replaces proline 172 with serine.
Molecular consequence: missense variant.
Genome position (GRCh38, 1-based): chrX:154,534,468, G>A on the plus strand (C>T on the coding strand, the complement: G6PD is on the minus strand). VCF-style: chrX-154534468-G-A. GRCh37 (hg19) VCF-style: chrX-153762683-G-A.
Other names: G6PD Volendam; c.604C>T, p.Pro202Ser (NM_000402.4); c.514C>T, p.Pro172Ser (NM_001042351.3); short protein forms P172S, P202S.
Identifiers: ClinVar variation 1722735 (VCV001722735.2), dbSNP rs2523268370, ClinGen allele CA415238120.